The following is an entry in ClinVar:

ClinVar aggregate classification (germline): Uncertain significance. Review status: criteria provided, multiple submitters, no conflicts (2 of 4 stars). 2 submissions from 2 submitters: Uncertain significance (2). Last evaluated 2025-08-31.

Conditions:
Inborn genetic diseases. Identifiers: MedGen C0950123, MeSH D030342.

Allele frequency attached by ClinVar (database versions not stated): TOPMed 0.00002; gnomAD 0.00003; gnomAD exomes 0.00001.
gnomAD v4.1: 19 of 1,613,938 alleles (0.0012%); highest among the groups gnomAD compares: African/African-American, 0.0027%; no homozygotes.

Submissions (2):

Ambry Genetics
Classification: Uncertain significance for Inborn genetic diseases. Last evaluated: 2025-08-31. Review status: criteria provided, single submitter. Criteria: Ambry Variant Classification Scheme 2023. Collection method: clinical testing. Allele origin: germline.

Labcorp Genetics (formerly Invitae), Labcorp
Classification: Uncertain significance. Last evaluated: 2021-06-17. Review status: criteria provided, single submitter. Criteria: Invitae Variant Classification Sherloc (09022015). Collection method: clinical testing. Allele origin: germline.
Comment: This sequence change replaces serine with arginine at codon 198 of the USH1C protein (p.Ser198Arg). The serine residue is weakly conserved and there is a moderate physicochemical difference between serine and arginine. This variant is not present in population databases (ExAC no frequency). This variant has not been reported in the literature in individuals with USH1C-related conditions. Algorithms developed to predict the effect of missense changes on protein structure and function are either unavailable or do not agree on the potential impact of this missense change (SIFT: "Deleterious"; PolyPhen-2: "Benign"; Align-GVGD: "Class C15"). In summary, the available evidence is currently insufficient to determine the role of this variant in disease. Therefore, it has been classified as a Variant of Uncertain Significance.

NM_153676.4(USH1C):c.594C>G (p.Ser198Arg)

Gene: USH1C (USH1 protein network component harmonin; minus strand). Cytogenetic location: 11p15.1.
Variant type: single nucleotide variant.
Coding change: c.594C>G on transcript NM_153676.4 (MANE Select); coding-DNA position 594, C replaced by G.
Protein change: p.Ser198Arg; replaces serine 198 with arginine.
Molecular consequence: missense variant. On other transcripts: non-coding transcript variant (1).
Genome position (GRCh38, 1-based): chr11:17,526,427, G>C on the plus strand (C>G on the coding strand, the complement: USH1C is on the minus strand). VCF-style: chr11-17526427-G-C. GRCh37 (hg19) VCF-style: chr11-17547974-G-C.
Other names: c.594C>G (NM_005709.3); c.594C>G, p.Ser198Arg (NM_001297764.2, NM_005709.4); short protein forms S198R.
Identifiers: ClinVar variation 2148318 (VCV002148318.2), dbSNP rs1284606967, ClinGen allele CA379793723.